The following is an entry in ClinVar:

NM_004482.4(GALNT3):c.842A>G (p.Glu281Gly)

Gene: GALNT3 (polypeptide N-acetylgalactosaminyltransferase 3; minus strand). Cytogenetic location: 2q24.3.
Variant type: single nucleotide variant.
Coding change: c.842A>G on transcript NM_004482.4 (MANE Select); coding-DNA position 842, A replaced by G.
Protein change: p.Glu281Gly; replaces glutamic acid 281 with glycine.
Molecular consequence: missense variant.
Genome position (GRCh38, 1-based): chr2:165,759,567, T>C on the plus strand (A>G on the coding strand, the complement: GALNT3 is on the minus strand). VCF-style: chr2-165759567-T-C. GRCh37 (hg19) VCF-style: chr2-166616077-T-C.
Other names: short protein forms E281G.
Identifiers: ClinVar variation 2734291 (VCV002734291.3), dbSNP rs2467871379, ClinGen allele CA349037723.

ClinVar aggregate classification (germline): Likely pathogenic (1 of 4 stars; one submission).

gnomAD v4.1: 2 of 1,610,588 alleles (0.00012%); highest among the groups gnomAD compares: South Asian, 0.0022%; no homozygotes.

Submission:

Labcorp Genetics (formerly Invitae), Labcorp
Classification: Likely pathogenic. Last evaluated: 2023-11-24. Review status: criteria provided, single submitter. Criteria: Invitae Variant Classification Sherloc (09022015). Collection method: clinical testing. Allele origin: germline.
Comment: This sequence change replaces glutamic acid, which is acidic and polar, with glycine, which is neutral and non-polar, at codon 281 of the GALNT3 protein (p.Glu281Gly). This variant is not present in population databases (gnomAD no frequency). This missense change has been observed in individuals with tumoral calcinosis (PMID: 19830424; Invitae). It has also been observed to segregate with disease in related individuals. Advanced modeling of protein sequence and biophysical properties (such as structural, functional, and spatial information, amino acid conservation, physicochemical variation, residue mobility, and thermodynamic stability) performed at Invitae indicates that this missense variant is expected to disrupt GALNT3 protein function with a positive predictive value of 80%. In summary, the currently available evidence indicates that the variant is pathogenic, but additional data are needed to prove that conclusively. Therefore, this variant has been classified as Likely Pathogenic.

Literature cited by the submitters: PubMed 19830424.